The following is an entry in ClinVar:

NM_000540.3(RYR1):c.14284C>A (p.Pro4762Thr)

Gene: RYR1 (ryanodine receptor 1; plus strand). Cytogenetic location: 19q13.2.
Variant type: single nucleotide variant.
Coding change: c.14284C>A on transcript NM_000540.3 (MANE Select); coding-DNA position 14284, C replaced by A.
Protein change: p.Pro4762Thr; replaces proline 4762 with threonine.
Molecular consequence: missense variant.
Genome position (GRCh38, 1-based): chr19:38,578,029, C>A. VCF-style: chr19-38578029-C-A. GRCh37 (hg19) VCF-style: chr19-39068669-C-A.
Other names: c.14269C>A, p.Pro4757Thr (NM_001042723.2); short protein forms P4757T, P4762T.
Identifiers: ClinVar variation 3071933 (VCV003071933.1), dbSNP rs759870637, ClinGen allele CA405684791.

ClinVar aggregate classification (germline): Uncertain significance (1 of 4 stars; one submission).

Conditions:
Malignant hyperthermia, susceptibility to, 1 (MHS1). Also called: Anesthesia related hyperthermia; Malignant hyperpyrexia; Fulminating hyperpyrexia; Pharmacogenic myopathy; RYR1-Related Malignant Hyperthermia Susceptibility; Malignant hyperthermia suceptibility 1. Identifiers: Orphanet 423, MedGen C2930980, MONDO:0007783, OMIM 145600.

Submission:

All of Us Research Program, National Institutes of Health
Classification: Uncertain significance for Malignant hyperthermia, susceptibility to, 1. Last evaluated: 2023-06-26. Review status: criteria provided, single submitter. Criteria: ACMG Guidelines, 2015. Collection method: clinical testing. Allele origin: germline. Inheritance: Autosomal dominant inheritance. Observed: 1 variant allele, 1 heterozygote.
Comment: This missense variant replaces proline with threonine at codon 4762 of the RYR1 protein. Computational prediction suggests that this variant may not impact protein structure and function (internally defined REVEL score threshold <= 0.5, PMID: 27666373). To our knowledge, functional studies have not been reported for this variant. This variant has not been reported in individuals affected with RYR1-related disorders in the literature. This variant has not been identified in the general population by the Genome Aggregation Database (gnomAD). The available evidence is insufficient to determine the role of this variant in disease conclusively. Therefore, this variant is classified as a Variant of Uncertain Significance.

This study involves interpretation of variants in research participants for the purpose of population health screening. Participant phenotype was not available at the time of variant classification. Additional details can be found in publication PMID: 35346344, PMCID: PMC8962531